The following is an entry in ClinVar:

NM_001110556.2(FLNA):c.6466G>A (p.Val2156Ile)

Gene: FLNA (filamin A; minus strand). Cytogenetic location: Xq28.
Variant type: single nucleotide variant.
Coding change: c.6466G>A on transcript NM_001110556.2 (MANE Select); coding-DNA position 6466, G replaced by A.
Protein change: p.Val2156Ile; replaces valine 2156 with isoleucine.
Molecular consequence: missense variant.
Genome position (GRCh38, 1-based): chrX:154,352,589, C>T on the plus strand (G>A on the coding strand, the complement: FLNA is on the minus strand). VCF-style: chrX-154352589-C-T. GRCh37 (hg19) VCF-style: chrX-153580957-C-T.
Other names: c.6442G>A, p.Val2148Ile (NM_001456.4); c.6466G>A (NM_001110556.1); short protein forms V2148I, V2156I.
Identifiers: ClinVar variation 547388 (VCV000547388.5), dbSNP rs367655833, ClinGen allele CA10560083.

ClinVar aggregate classification (germline): Conflicting classifications of pathogenicity. Review status: criteria provided, conflicting classifications (1 of 4 stars). 3 submissions from 3 submitters: Uncertain significance (1); Benign (1); Likely benign (1). Last evaluated 2026-01-12.

Conditions:
FLNA-related disorder.
Melnick-Needles syndrome (MNS). Also called: MELNICK-NEEDLES OSTEODYSPLASTY; OSTEODYSPLASTY OF MELNICK AND NEEDLES; Melnick-Needles Syndrome (FLNA-MNS). Identifiers: Orphanet 2484, MedGen C0025237, MONDO:0010650, OMIM 309350.
Frontometaphyseal dysplasia (FMD1). Identifiers: Orphanet 1826, MedGen C0265293, MONDO:0015942.
Heterotopia, periventricular, X-linked dominant (PVNH1). Also called: PERIVENTRICULAR NODULAR HETEROTOPIA 1; X-linked periventricular heterotopia; PERIVENTRICULAR NODULAR HETEROTOPIA 4; HETEROTOPIA, PERIVENTRICULAR, 1. Identifiers: Orphanet 2149, Orphanet 82004, MedGen C1848213, MONDO:0010233, OMIM 300049.
Oto-palato-digital syndrome, type II (OPD2). Also called: FACIOPALATOOSSEOUS SYNDROME; Otopalatodigital Syndrome, Type II; OPD II SYNDROME; Otopalatodigital Syndrome Type 2 (FLNA-OPD2). Identifiers: Orphanet 669, Orphanet 90652, MedGen C1844696, MONDO:0010571, OMIM 304120.
Connective tissue disorder. Also called: Connective tissue disease. Identifiers: MedGen C0009782, MONDO:0003900.

Allele frequency attached by ClinVar (database versions not stated): gnomAD exomes 0.00001 and 0.00002; TOPMed 0.00002; gnomAD 0.00003; ExAC 0.00005; ESP Exome Variant Server 0.00010.
gnomAD v4.1: 17 of 1,210,487 alleles (0.0014%); highest among the groups gnomAD compares: African/African-American, 0.01%; no homozygotes.

Submissions (3):

Labcorp Genetics (formerly Invitae), Labcorp
Classification: Benign for Oto-palato-digital syndrome, type II; Heterotopia, periventricular, X-linked dominant; Frontometaphyseal dysplasia; Melnick-Needles syndrome. Last evaluated: 2026-01-12. Review status: criteria provided, single submitter. Criteria: Invitae Variant Classification Sherloc (09022015). Collection method: clinical testing. Allele origin: germline.

PreventionGenetics, part of Exact Sciences
Classification: Uncertain significance for FLNA-related condition. Last evaluated: 2023-01-13. Review status: criteria provided, single submitter. Criteria: ACMG Guidelines, 2015. Collection method: clinical testing. Allele origin: germline.
Comment: The FLNA c.6466G>A variant is predicted to result in the amino acid substitution p.Val2156Ile. To our knowledge, this variant has not been reported in the literature. This variant is reported in 0.0052% of alleles in individuals of South Asian descent in gnomAD. At this time, the clinical significance of this variant is uncertain due to the absence of conclusive functional and genetic evidence.

Center for Human Genetics, Inc
Classification: Likely benign for Connective tissue disorder. Last evaluated: 2016-11-01. Review status: criteria provided, single submitter. Criteria: ACMG Guidelines, 2015. Collection method: clinical testing. Allele origin: germline. Affected: yes.